The following is an entry in ClinVar:

ClinVar aggregate classification (germline): Uncertain significance (1 of 4 stars; one submission).

Submission:

Women's Health and Genetics/Laboratory Corporation of America, LabCorp
Classification: Uncertain significance. Last evaluated: 2024-04-02. Review status: criteria provided, single submitter. Criteria: LabCorp Variant Classification Summary - May 2015. Collection method: clinical testing. Allele origin: germline.
Comment: Variant summary: The variant involves the duplication of exons 12-22 in the VPS53 gene. A presumed nomenclature of c.(1116+1_1117-1)_(*10461_?)dup has been designated for the purposes of this classification. The exact breakpoint at the 3' end of this variant is unknown, therefore this duplication may extend downstream of the annotated region of the gene. It is assumed to be a tandem duplication in direct orientation (PMIDs: 25640679, 30054569). As it duplicates the termination codon, its effect on the encoded protein is unknown. The variant was absent in 21690 control chromosomes in the gnomAD database (Structural Variants v2.1 dataset). The available data on variant occurrences in the general population are insufficient to allow any conclusion about variant significance. To our knowledge, no occurrence of c.(1116+1_1117-1)_(*10461_?)dup in individuals affected with Pontocerebellar Hypoplasia, Type 2E and no experimental evidence demonstrating its impact on protein function have been reported. No submitters have cited clinical-significance assessments for this variant to ClinVar. Based on the evidence outlined above, the variant was classified as uncertain significance.

NC_000017.10:g.(?_411907)_(505137_526772)dup

Gene: VPS53 (VPS53 subunit of GARP complex; minus strand). Cytogenetic location: 17p13.3.
Variant type: Duplication.
Identifiers: ClinVar variation 3251591 (VCV003251591.1).